The following is an entry in ClinVar:

NM_024422.6(DSC2):c.2344G>T (p.Glu782Ter)

Gene: DSC2 (desmocollin 2; minus strand). Cytogenetic location: 18q12.1.
Variant type: single nucleotide variant.
Coding change: c.2344G>T on transcript NM_024422.6 (MANE Select); coding-DNA position 2344, G replaced by T.
Protein change: p.Glu782Ter; replaces glutamic acid 782 with a stop codon.
Molecular consequence: nonsense.
Genome position (GRCh38, 1-based): chr18:31,069,058, C>A on the plus strand (G>T on the coding strand, the complement: DSC2 is on the minus strand). VCF-style: chr18-31069058-C-A. GRCh37 (hg19) VCF-style: chr18-28649024-C-A.
Other names: c.1915G>T, p.Glu639Ter (NM_001406506.1, NM_001406507.1); c.2344G>T, p.Glu782Ter (NM_004949.5); short protein forms E782*, E639*.
Identifiers: ClinVar variation 4738258 (VCV004738258.1).

ClinVar aggregate classification (germline): Pathogenic (1 of 4 stars; one submission).

Conditions:
Arrhythmogenic right ventricular dysplasia 11. Also called: ARRHYTHMOGENIC RIGHT VENTRICULAR DYSPLASIA, FAMILIAL, 11; Arrhythmogenic Right Ventricular Dysplasia/Cardiomyopathy11; Arrhythmogenic right ventricular dysplasia 11 with mild palmoplantar keratoderma and woolly hair. Identifiers: MedGen C1864850, MONDO:0012506, OMIM 610476.

Submission:

Labcorp Genetics (formerly Invitae), Labcorp
Classification: Pathogenic for Arrhythmogenic right ventricular dysplasia 11. Last evaluated: 2025-08-30. Review status: criteria provided, single submitter. Criteria: Invitae Variant Classification Sherloc (09022015). Collection method: clinical testing. Allele origin: germline.
Comment: This sequence change creates a premature translational stop signal (p.Glu782*) in the DSC2 gene. It is expected to result in an absent or disrupted protein product. Loss-of-function variants in DSC2 are known to be pathogenic (PMID: 23911551). This variant is not present in population databases (gnomAD no frequency). This variant has not been reported in the literature in individuals affected with DSC2-related conditions. Algorithms developed to predict the effect of sequence changes on RNA splicing suggest that this variant may create or strengthen a splice site. For these reasons, this variant has been classified as Pathogenic.

Literature cited by the submitters: PubMed 23911551.